The following is an entry in ClinVar:

NM_153717.3(EVC):c.2365del (p.Leu789fs)

Gene: EVC (EvC ciliary complex subunit 1; plus strand). Cytogenetic location: 4p16.2.
Variant type: Deletion.
Coding change: c.2365del on transcript NM_153717.3 (MANE Select); coding-DNA position 2365, one base deleted (C; older notation c.2365delC).
Protein change: p.Leu789fs; shifts the reading frame from leucine 789.
Molecular consequence: frameshift variant.
Genome position (GRCh38, 1-based): chr4:5,802,010, C deleted; the last of 2 consecutive C bases (chr4:5,802,009-5,802,010); deleting either gives the same sequence. VCF-style (leftmost placement, unchanged base first): chr4-5802008-GC-G. GRCh37 (hg19) VCF-style: chr4-5803735-GC-G.
Other names: c.2365del, p.Leu789fs (NM_001306090.2); short protein forms L789fs.
Identifiers: ClinVar variation 2940820 (VCV002940820.3), dbSNP rs2474506697, ClinGen allele CA2669809272.

ClinVar aggregate classification (germline): Pathogenic (1 of 4 stars; one submission).

Conditions:
Curry-Hall syndrome (WAD). Also called: WEYERS ACRODENTAL DYSOSTOSIS. Identifiers: Orphanet 952, MedGen C0457013, MONDO:0008673, OMIM 193530.
Ellis-van Creveld syndrome (EVC). Also called: EVC-Related Ellis-van Creveld Syndrome; EVC2-Related Ellis-van Creveld Syndrome; MESOECTODERMAL DYSPLASIA; Chondroectodermal dysplasia. Identifiers: Orphanet 289, MedGen C0013903, MONDO:0009162, OMIM 225500.

Submission:

Labcorp Genetics (formerly Invitae), Labcorp
Classification: Pathogenic for Curry-Hall syndrome; Ellis-van Creveld syndrome. Last evaluated: 2023-09-26. Review status: criteria provided, single submitter. Criteria: Invitae Variant Classification Sherloc (09022015). Collection method: clinical testing. Allele origin: germline.
Comment: This sequence change creates a premature translational stop signal (p.Leu789Trpfs*24) in the EVC gene. It is expected to result in an absent or disrupted protein product. Loss-of-function variants in EVC are known to be pathogenic (PMID: 23220543). This variant is not present in population databases (gnomAD no frequency). This variant has not been reported in the literature in individuals affected with EVC-related conditions. For these reasons, this variant has been classified as Pathogenic.

Literature cited by the submitters: PubMed 23220543.